The following is an entry in ClinVar:

NM_000059.4(BRCA2):c.7955T>A (p.Val2652Glu)

Gene: BRCA2 (BRCA2 DNA repair associated; plus strand). Cytogenetic location: 13q13.1.
Variant type: single nucleotide variant.
Coding change: c.7955T>A on transcript NM_000059.4 (MANE Select); coding-DNA position 7955, T replaced by A.
Protein change: p.Val2652Glu; replaces valine 2652 with glutamic acid.
Molecular consequence: missense variant.
Genome position (GRCh38, 1-based): chr13:32,362,672, T>A. VCF-style: chr13-32362672-T-A. GRCh37 (hg19) VCF-style: chr13-32936809-T-A.
Other names: c.7955T>A (NM_000059.3); short protein forms V2652E.
Identifiers: ClinVar variation 1022150 (VCV001022150.10), dbSNP rs1555286868, ClinGen allele CA387747264.
Genomic context (GRCh38, chr13:32,362,672, plus strand): 5'-CAGCTATGGAATGTGCCTTTCCTAAGGAATTTGCTAATAGATGCCTAAGCCCAGAAAGGG[T>A]GCTTCTTCAACTAAAATACAGGCAAGTTTAAAGCATTACATTACGTAATCATATACGGCA-3'
Protein context (NP_000050.3, residues 2642-2662): FANRCLSPER[Val2652Glu]LLQLKYRYDT

ClinVar aggregate classification (germline): Conflicting classifications of pathogenicity. Review status: criteria provided, conflicting classifications (1 of 4 stars). 2 submissions from 2 submitters: Likely pathogenic (1); Uncertain significance (1). Last evaluated 2026-03-04.

Conditions:
Hereditary cancer-predisposing syndrome. Also called: Hereditary Cancer Syndrome; Neoplastic Syndromes, Hereditary; Tumor predisposition; Hereditary neoplastic syndrome. Identifiers: Orphanet 140162, MedGen C0027672, MeSH D009386, MONDO:0015356.
Hereditary breast ovarian cancer syndrome. Also called: Breast and ovarian cancer; Hereditary breast and ovarian cancer; Hereditary breast and ovarian cancer syndrome (HBOC); BRCA1- and BRCA2-Associated Hereditary Breast and Ovarian Cancer; Hereditary breast and ovarian cancer syndrome; Hereditary breast and/or ovarian cancer syndrome. Identifiers: Orphanet 145, MedGen C0677776, MeSH D061325, MONDO:0003582. Disease mechanism: loss of function.

Submissions (2):

Ambry Genetics
Classification: Likely pathogenic for Hereditary cancer-predisposing syndrome. Last evaluated: 2026-03-04. Review status: criteria provided, single submitter. Criteria: Ambry Variant Classification Scheme 2023. Collection method: clinical testing. Allele origin: germline.
Comment: The p.V2652E variant (also known as c.7955T>A), located in coding exon 16 of the BRCA2 gene, results from a T to A substitution at nucleotide position 7955. The valine at codon 2652 is replaced by glutamic acid, an amino acid with dissimilar properties. This variant was reported as non-functional in a homology directed repair assay (Hu C et al. Am J Hum Genet, 2024 Mar;111:584-593). The results from two saturation genome editing-based studies, including a haploid cell-survival assay and a humanized mouse embryonic stem cell line assay of drug response and survival, are discordant for this nucleotide substitution (Huang H et al. Nature. 2025 Feb;638(8050):528-537; Sahu S et al. Nature. 2025 Feb;638(8050):538-545). This amino acid position is highly conserved in available vertebrate species. In addition, this alteration is predicted to be deleterious by in silico analysis. This variant is considered to be rare based on population cohorts in the Genome Aggregation Database (gnomAD). Based on the majority of available evidence to date, this variant is likely to be pathogenic.

Labcorp Genetics (formerly Invitae), Labcorp
Classification: Uncertain significance for Hereditary breast ovarian cancer syndrome. Last evaluated: 2020-07-01. Review status: criteria provided, single submitter. Criteria: Invitae Variant Classification Sherloc (09022015). Collection method: clinical testing. Allele origin: germline.
Comment: This sequence change replaces valine with glutamic acid at codon 2652 of the BRCA2 protein (p.Val2652Glu). The valine residue is highly conserved and there is a moderate physicochemical difference between valine and glutamic acid. This variant is not present in population databases (ExAC no frequency). In summary, the available evidence is currently insufficient to determine the role of this variant in disease. Therefore, it has been classified as a Variant of Uncertain Significance. Algorithms developed to predict the effect of missense changes on protein structure and function (SIFT, PolyPhen-2, Align-GVGD) all suggest that this variant is likely to be disruptive, but these predictions have not been confirmed by published functional studies and their clinical significance is uncertain. This variant has not been reported in the literature in individuals with BRCA2-related conditions.

Literature cited by the submitters: PubMed 38417439 (cited by Ambry Genetics); PubMed 39779848 (cited by Ambry Genetics); PubMed 39779857 (cited by Ambry Genetics).